The following is an entry in ClinVar:

ClinVar aggregate classification (germline): Benign/Likely benign. Review status: criteria provided, multiple submitters, no conflicts (2 of 4 stars). 2 submissions from 2 submitters: Benign (1); Likely benign (1). Last evaluated 2025-02-11.

Conditions:
Colorectal cancer, susceptibility to, 12 (CRCS12). Also called: COLORECTAL CANCER, SUSCEPTIBILITY TO, ON CHROMOSOME 12q24. Identifiers: Orphanet 220460, MedGen C3554460, MONDO:0014038, OMIM 615083.

Submissions (2):

Myriad Genetics, Inc.
Classification: Benign for Colorectal cancer, susceptibility to, 12. Last evaluated: 2025-02-11. Review status: criteria provided, single submitter. Criteria: Myriad Autosomal Dominant, Autosomal Recessive and X-Linked Classification Criteria (2023). Collection method: clinical testing. Allele origin: unknown.
Comment: This variant is considered benign. This variant is a silent/synonymous amino acid change and it is not expected to impact splicing.

Labcorp Genetics (formerly Invitae), Labcorp
Classification: Likely benign. Last evaluated: 2024-02-25. Review status: criteria provided, single submitter. Criteria: Invitae Variant Classification Sherloc (09022015). Collection method: clinical testing. Allele origin: germline.

NM_006231.4(POLE):c.1428A>C (p.Pro476=)

Gene: POLE (DNA polymerase epsilon, catalytic subunit; minus strand). Cytogenetic location: 12q24.33.
Variant type: single nucleotide variant.
Coding change: c.1428A>C on transcript NM_006231.4 (MANE Select); coding-DNA position 1428, A replaced by C.
Protein change: p.Pro476=; no amino-acid change (proline 476 retained).
Molecular consequence: synonymous variant.
Genome position (GRCh38, 1-based): chr12:132,673,209, T>G on the plus strand (A>C on the coding strand, the complement: POLE is on the minus strand). VCF-style: chr12-132673209-T-G. GRCh37 (hg19) VCF-style: chr12-133249795-T-G.
Identifiers: ClinVar variation 3643174 (VCV003643174.3).